The following is an entry in ClinVar:

ClinVar aggregate classification (germline): Benign/Likely benign. Review status: criteria provided, multiple submitters, no conflicts (2 of 4 stars). 4 submissions from 4 submitters: Benign (2); Likely benign (1). 1 of the submissions does not count toward it. Last evaluated 2025-05-06.

Conditions:
RNF213-related disorder. Also called: RNF213-related condition.

Allele frequency attached by ClinVar (database versions not stated): gnomAD exomes 0.00017 and 0.00051; ExAC 0.00068; gnomAD 0.00232 and 0.00243; 1000 Genomes Project 0.00240; ESP Exome Variant Server 0.00254; TOPMed 0.00257; 1000 Genomes Project 30x 0.00297.
gnomAD v4.1: 616 of 1,611,430 alleles (0.038%); highest among the groups gnomAD compares: African/African-American, 0.72%; 1 homozygote.

Submissions (4):

Labcorp Genetics (formerly Invitae), Labcorp
Classification: Benign. Last evaluated: 2025-05-06. Review status: criteria provided, single submitter. Criteria: Invitae Variant Classification Sherloc (09022015). Collection method: clinical testing. Allele origin: germline.

Mayo Clinic Laboratories, Mayo Clinic
Classification: Likely benign. Last evaluated: 2024-12-30. Review status: criteria provided, single submitter. Criteria: ACMG Guidelines, 2015. Collection method: clinical testing. Allele origin: germline. Observed: 1 variant allele.
Comment: BS1, BP4, BP7

Breakthrough Genomics
Classification: Benign. Review status: criteria provided, single submitter. Criteria: ACMG Guidelines, 2015. Collection method: not provided. Allele origin: germline. Inheritance: Autosomal dominant inheritance. Affected: yes.

PreventionGenetics, part of Exact Sciences
Classification: Likely benign for RNF213-related condition. Last evaluated: 2024-03-19. Review status: no assertion criteria provided. Collection method: clinical testing. Allele origin: germline. Not counted in ClinVar's aggregate classification.
Comment: This variant is classified as likely benign based on ACMG/AMP sequence variant interpretation guidelines (Richards et al. 2015 PMID: 25741868, with internal and published modifications).

NM_001256071.3(RNF213):c.12927C>T (p.Asp4309=)

Genes: RNF213 (ring finger protein 213; plus strand), RNF213-AS1 (RNF213 antisense RNA 1; minus strand). Cytogenetic location: 17q25.3.
Variant type: single nucleotide variant.
Coding change: c.12927C>T on transcript NM_001256071.3 (MANE Select); coding-DNA position 12927, C replaced by T.
Protein change: p.Asp4309=; no amino-acid change (aspartic acid 4309 retained).
Molecular consequence: synonymous variant.
Genome position (GRCh38, 1-based): chr17:80,373,150, C>T. VCF-style: chr17-80373150-C-T. GRCh37 (hg19) VCF-style: chr17-78346950-C-T.
Other names: p.Asp4309=.
Identifiers: ClinVar variation 777226 (VCV000777226.10), dbSNP rs76370064, ClinGen allele CA8822350.